The following is an entry in ClinVar:

ClinVar aggregate classification (germline): Uncertain significance (1 of 4 stars; one submission).

Submission:

Labcorp Genetics (formerly Invitae), Labcorp
Classification: Uncertain significance. Last evaluated: 2025-06-22. Review status: criteria provided, single submitter. Criteria: Invitae Variant Classification Sherloc (09022015). Collection method: clinical testing. Allele origin: germline.
Comment: This sequence change replaces cysteine, which is neutral and slightly polar, with tyrosine, which is neutral and polar, at codon 227 of the WNT1 protein (p.Cys227Tyr). The frequency data for this variant in the population databases is considered unreliable, as metrics indicate poor data quality at this position in the gnomAD database. This variant has not been reported in the literature in individuals affected with WNT1-related conditions. Invitae Evidence Modeling of protein sequence and biophysical properties (such as structural, functional, and spatial information, amino acid conservation, physicochemical variation, residue mobility, and thermodynamic stability) indicates that this missense variant is expected to disrupt WNT1 protein function with a positive predictive value of 80%. In summary, the available evidence is currently insufficient to determine the role of this variant in disease. Therefore, it has been classified as a Variant of Uncertain Significance.

NM_005430.4(WNT1):c.680G>A (p.Cys227Tyr)

Gene: WNT1 (Wnt family member 1; plus strand). Cytogenetic location: 12q13.12.
Variant type: single nucleotide variant.
Coding change: c.680G>A on transcript NM_005430.4 (MANE Select); coding-DNA position 680, G replaced by A.
Protein change: p.Cys227Tyr; replaces cysteine 227 with tyrosine.
Molecular consequence: missense variant.
Genome position (GRCh38, 1-based): chr12:48,981,207, G>A. VCF-style: chr12-48981207-G-A. GRCh37 (hg19) VCF-style: chr12-49374990-G-A.
Other names: short protein forms C227Y.
Identifiers: ClinVar variation 4704069 (VCV004704069.1).